The following is an entry in ClinVar:

NM_001844.5(COL2A1):c.156C>A (p.Cys52Ter)

Gene: COL2A1 (collagen type II alpha 1 chain; minus strand). Cytogenetic location: 12q13.11.
Variant type: single nucleotide variant.
Coding change: c.156C>A on transcript NM_001844.5 (MANE Select); coding-DNA position 156, C replaced by A.
Protein change: p.Cys52Ter; replaces cysteine 52 with a stop codon.
Molecular consequence: nonsense. On other transcripts: intron variant (1).
Genome position (GRCh38, 1-based): chr12:48,000,055, G>T on the plus strand (C>A on the coding strand, the complement: COL2A1 is on the minus strand). VCF-style: chr12-48000055-G-T. GRCh37 (hg19) VCF-style: chr12-48393838-G-T.
Other names: c.86-1624C>A (NM_033150.3); short protein forms C52*.
Identifiers: ClinVar variation 547245 (VCV000547245.13), dbSNP rs1246771678, ClinGen allele CA384526460.

ClinVar aggregate classification (germline): Pathogenic/Likely pathogenic. Review status: criteria provided, multiple submitters, no conflicts (2 of 4 stars). 5 submissions from 5 submitters: Pathogenic (4); Likely pathogenic (1). Last evaluated 2026-06-08.

Conditions:
COL2A1-related disorder. Also called: COL2A1-related condition; COL2A1-related disorders.
Inborn genetic diseases. Identifiers: MedGen C0950123, MeSH D030342.
Stickler syndrome type 1 (STL1). Also called: COL2A1-Related Stickler Syndrome; ARTHROOPHTHALMOPATHY, HEREDITARY PROGRESSIVE; STICKLER SYNDROME, MEMBRANOUS VITREOUS TYPE; STICKLER SYNDROME, VITREOUS TYPE 1. Identifiers: Orphanet 828, Orphanet 90653, MedGen C2020284, MONDO:0007160, OMIM 108300.

Submissions (5):

PreventionGenetics, part of Exact Sciences
Classification: Pathogenic for COL2A1-related condition. Last evaluated: 2026-06-08. Review status: criteria provided, single submitter. Criteria: ACMG Guidelines, 2015. Collection method: clinical testing. Allele origin: germline.
Comment: The COL2A1 c.156C>A variant is predicted to result in premature protein termination (p.Cys52*). This variant has been reported in the heterozygous state in one individual with vitreoretinopathy (Table S1, Ordoñez-Labastida et al. 2022. PubMed ID: 36087940). This variant has not been reported in a large population database, indicating this variant is rare. Nonsense variants in COL2A1 are expected to be pathogenic. This variant is interpreted as likely pathogenic.

Labcorp Genetics (formerly Invitae), Labcorp
Classification: Pathogenic. Last evaluated: 2025-08-23. Review status: criteria provided, single submitter. Criteria: Invitae Variant Classification Sherloc (09022015). Collection method: clinical testing. Allele origin: germline.
Comment: This sequence change creates a premature translational stop signal (p.Cys52*) in the COL2A1 gene. It is expected to result in an absent or disrupted protein product. Loss-of-function variants in COL2A1 are known to be pathogenic (PMID: 20179744). This variant is not present in population databases (gnomAD no frequency). This premature translational stop signal has been observed in individual(s) with vitreoretinopathy (PMID: 36087940). ClinVar contains an entry for this variant (Variation ID: 547245). For these reasons, this variant has been classified as Pathogenic.

Ambry Genetics
Classification: Pathogenic for Inborn genetic diseases. Last evaluated: 2024-05-14. Review status: criteria provided, single submitter. Criteria: Ambry Variant Classification Scheme 2023. Collection method: clinical testing. Allele origin: germline.
Comment: The c.156C>A (p.C52*) alteration, located in exon 2 (coding exon 2) of the COL2A1 gene, consists of a C to A substitution at nucleotide position 156. This changes the amino acid from a cysteine (C) to a stop codon at amino acid position 52. This alteration is expected to result in loss of function by premature protein truncation or nonsense-mediated mRNA decay. This variant was not reported in population-based cohorts in the Genome Aggregation Database (gnomAD). Based on the available evidence, this alteration is classified as pathogenic.

GeneDx
Classification: Pathogenic. Last evaluated: 2023-10-10. Review status: criteria provided, single submitter. Criteria: GeneDx Variant Classification Process June 2021. Collection method: clinical testing. Allele origin: germline. Affected: yes.
Comment: Has not been previously published as pathogenic or benign to our knowledge; Nonsense variant predicted to result in protein truncation or nonsense mediated decay in a gene for which loss of function is a known mechanism of disease; Not observed at significant frequency in large population cohorts (gnomAD)

Center for Human Genetics, Inc
Classification: Likely pathogenic for Stickler syndrome type 1. Last evaluated: 2016-11-01. Review status: criteria provided, single submitter. Criteria: ACMG Guidelines, 2015. Collection method: clinical testing. Allele origin: germline. Affected: yes.

Literature cited by the submitters: PubMed 20179744 (cited by Labcorp Genetics (formerly Invitae), Labcorp); PubMed 36087940 (cited by Labcorp Genetics (formerly Invitae), Labcorp).